The following is an entry in ClinVar:

NM_144670.6(A2ML1):c.462+2T>C

Genes: A2ML1-AS1 (A2ML1 antisense RNA 1; minus strand), A2ML1 (alpha-2-macroglobulin like 1; plus strand). Cytogenetic location: 12p13.31.
Variant type: single nucleotide variant.
Coding change: c.462+2T>C on transcript NM_144670.6 (MANE Select); the canonical splice donor site of the intron after coding-DNA position 462, T replaced by C.
Molecular consequence: splice donor variant.
Genome position (GRCh38, 1-based): chr12:8,829,781, T>C. VCF-style: chr12-8829781-T-C. GRCh37 (hg19) VCF-style: chr12-8982377-T-C.
Identifiers: ClinVar variation 561948 (VCV000561948.2), dbSNP rs201877710, ClinGen allele CA6435282.
Genomic context (GRCh38, chr12:8,829,781, plus strand): 5'-TTCCAGTGTATTTCCGCATTGTCACCATGGATAGCAACTTCGTTCCAGTGAATGACAAGG[T>C]GAGTTGGGAGGAGGAGAAGGAGTGGCGCAGGGAGAACAGGGAAAAGGATGAGAGATTCTC-3'

ClinVar aggregate classification (germline): Uncertain significance. Review status: criteria provided, multiple submitters, no conflicts (2 of 4 stars). 2 submissions from 2 submitters: Uncertain significance (2). Last evaluated 2023-02-20.

Allele frequency attached by ClinVar (database versions not stated): gnomAD exomes below 0.00001; TOPMed below 0.00001; ExAC 0.00001; gnomAD 0.00001; 1000 Genomes Project 30x 0.00016; 1000 Genomes Project 0.00020.
gnomAD v4.1: 7 of 1,612,250 alleles (0.00043%); highest among the groups gnomAD compares: African/African-American, 0.0081%; no homozygotes.

Submissions (2):

Women's Health and Genetics/Laboratory Corporation of America, LabCorp
Classification: Uncertain significance. Last evaluated: 2023-02-20. Review status: criteria provided, single submitter. Criteria: LabCorp Variant Classification Summary - May 2015. Collection method: clinical testing. Allele origin: germline.
Comment: Variant summary: A2ML1 c.462+2T>C is located in a canonical splice-site and is predicted to affect mRNA splicing resulting in a significantly altered protein due to either exon skipping, shortening, or inclusion of intronic material. Several computational tools predict a significant impact on normal splicing: three predict the variant abolishes a 5 prime splicing donor site; one predict the variant weakens a 5 prime donor site. However, these predictions have yet to be confirmed by functional studies. The variant was absent in 249492 control chromosomes. The available data on variant occurrences in the general population are insufficient to allow any conclusion about variant significance. To our knowledge, no occurrence of c.462+2T>C in individuals affected with Noonan Syndrome and no experimental evidence demonstrating its impact on protein function have been reported. One clinical diagnostic laboratory has submitted clinical-significance assessments for this variant to ClinVar after 2014 without evidence for independent evaluation and classified the variant as uncertain significance. Based on the evidence outlined above, the variant was classified as uncertain significance.

GeneDx
Classification: Uncertain significance. Last evaluated: 2018-07-05. Review status: criteria provided, single submitter. Criteria: GeneDx Variant Classification (06012015). Collection method: clinical testing. Allele origin: germline. Affected: yes.
Comment: The c.462+2 T>C variant has not been published as a pathogenic variant, nor has it been reported as a benign variant to our knowledge. The c.462+2 T>C variant is not observed at a significant frequency in large population cohorts (Lek et al., 2016). This splice site variant destroys the canonical splice donor site in intron 4. Based on the currently available information, it is unclear whether this variant is a pathogenic variant or a rare benign variant.